The following is an entry in ClinVar:

ClinVar aggregate classification (germline): Pathogenic/Likely pathogenic. Review status: criteria provided, multiple submitters, no conflicts (2 of 4 stars). 5 submissions from 5 submitters: Pathogenic (4); Likely pathogenic (1). Last evaluated 2025-12-11.

Conditions:
ABCC2-related disorder. Also called: ABCC2-related condition.
Dubin-Johnson syndrome (DJS). Also called: Hyperbilirubinemia type 2; HYPERBILIRUBINEMIA, DUBIN-JOHNSON TYPE; Jaundice, Chronic Idiopathic. Identifiers: Orphanet 234, MedGen C0022350, MONDO:0009380, OMIM 237500.

Allele frequency attached by ClinVar (database versions not stated): gnomAD exomes 0.00001 and 0.00004; TOPMed 0.00001; ExAC 0.00002.
gnomAD v4.1: 13 of 1,613,972 alleles (0.00081%); highest among the groups gnomAD compares: East Asian, 0.018%; no homozygotes.

Submissions (5):

PreventionGenetics, part of Exact Sciences
Classification: Likely pathogenic for ABCC2-related condition. Last evaluated: 2025-12-11. Review status: criteria provided, single submitter. Criteria: ACMG Guidelines, 2015. Collection method: clinical testing. Allele origin: germline.
Comment: The ABCC2 c.2443C>T variant is predicted to result in premature protein termination (p.Arg815*). This variant has been reported in the homozygous and presumed compound heterozygous state in individuals with Dubin-Johnson syndrome (See for example: Lee et al. 2020. PubMed ID: 32477112; Fu et al. 2021. PubMed ID: 34050268). This variant is reported in 0.044% of alleles in individuals of East Asian descent in gnomAD. Nonsense variants in ABCC2 are expected to be pathogenic. This variant is interpreted as likely pathogenic.

Labcorp Genetics (formerly Invitae), Labcorp
Classification: Pathogenic. Last evaluated: 2024-01-08. Review status: criteria provided, single submitter. Criteria: Invitae Variant Classification Sherloc (09022015). Collection method: clinical testing. Allele origin: germline.
Comment: This sequence change creates a premature translational stop signal (p.Arg815*) in the ABCC2 gene. It is expected to result in an absent or disrupted protein product. Loss-of-function variants in ABCC2 are known to be pathogenic (PMID: 9185779, 16549534, 16952291). This variant is present in population databases (rs773850184, gnomAD 0.05%). This premature translational stop signal has been observed in individual(s) with ABCC2-related conditions (PMID: 31450232, 33585635). ClinVar contains an entry for this variant (Variation ID: 598367). Algorithms developed to predict the effect of sequence changes on RNA splicing suggest that this variant may disrupt the consensus splice site. For these reasons, this variant has been classified as Pathogenic.

3billion
Classification: Pathogenic for Dubin-Johnson syndrome. Last evaluated: 2022-01-03. Review status: criteria provided, single submitter. Criteria: ACMG Guidelines, 2015. Collection method: clinical testing. Allele origin: germline. Affected: yes. Observed: 1 heterozygote.
Comment: Stop-gained (nonsense): predicted to result in a loss or disruption of normal protein function through nonsense-mediated decay (NMD) or protein truncation. Multiple pathogenic variants are reported downstream of the variant (PVS1_VS). It is observed at an extremely low frequency in the gnomAD v2.1.1 dataset (total allele frequency: 0.000036, PM2_M). The variant has been reported to be associated with ABCC2 related disorder (ClinVar ID: VCV000598367, PMID:31450232). Therefore, this variant is classified as pathogenic according to the recommendation of ACMG/AMP guideline.

Eurofins Ntd Llc (ga)
Classification: Pathogenic. Last evaluated: 2018-08-09. Review status: criteria provided, single submitter. Criteria: EGL ClinVar v180209 classification definitions. Collection method: clinical testing. Allele origin: germline. Observed: 1 variant allele, 1 heterozygote.

Juno Genomics, Hangzhou Juno Genomics, Inc
Classification: Pathogenic for Dubin-Johnson syndrome. Review status: criteria provided, single submitter. Criteria: ACMG Guidelines, 2015. Collection method: clinical testing. Allele origin: germline.
Comment: Absent from controls (or at extremely low frequency if recessive) in Genome Aggregation Database.;Null variant in a gene where loss of function (LOF) is a known mechanism of disease.;For recessive disorders, detected in trans with a pathogenic variant.

Literature cited by the submitters: PubMed 9185779 (cited by Labcorp Genetics (formerly Invitae), Labcorp); PubMed 16549534 (cited by Labcorp Genetics (formerly Invitae), Labcorp); PubMed 16952291 (cited by Labcorp Genetics (formerly Invitae), Labcorp); PubMed 31450232 (cited by Labcorp Genetics (formerly Invitae), Labcorp and 3billion); PubMed 33585635 (cited by Labcorp Genetics (formerly Invitae), Labcorp).

NM_000392.5(ABCC2):c.2443C>T (p.Arg815Ter)

Gene: ABCC2 (ATP binding cassette subfamily C member 2; plus strand). Cytogenetic location: 10q24.2.
Variant type: single nucleotide variant.
Coding change: c.2443C>T on transcript NM_000392.5 (MANE Select); coding-DNA position 2443, C replaced by T.
Protein change: p.Arg815Ter; replaces arginine 815 with a stop codon.
Molecular consequence: nonsense.
Genome position (GRCh38, 1-based): chr10:99,819,092, C>T. VCF-style: chr10-99819092-C-T. GRCh37 (hg19) VCF-style: chr10-101578849-C-T.
Other names: c.2443C>T, p.Arg815Ter (LRG_1208t1); short protein forms R815*.
Identifiers: ClinVar variation 598367 (VCV000598367.12), dbSNP rs773850184, ClinGen allele CA5643489.
Genomic context (GRCh38, chr10:99,819,092, plus strand): 5'-AGACAGGGAAGATGGTGGACATATGGTAATCAACACAACTTCATATTATTTTTATAGACT[C>T]GACTCTTGGTTACACATAGCATGCACTTTCTTCCTCAAGTGGATGAGATTGTAGTTCTGG-3'